The following is an entry in ClinVar:

NM_002693.3(POLG):c.569C>T (p.Pro190Leu)

Genes: POLGARF (POLG alternative reading frame; minus strand), POLG (DNA polymerase gamma, catalytic subunit; minus strand). Cytogenetic location: 15q26.1.
Variant type: single nucleotide variant.
Coding change: c.569C>T on transcript NM_002693.3 (MANE Select); coding-DNA position 569, C replaced by T.
Protein change: p.Pro190Leu; replaces proline 190 with leucine.
Molecular consequence: missense variant.
Genome position (GRCh38, 1-based): chr15:89,333,186, G>A on the plus strand (C>T on the coding strand, the complement: POLG is on the minus strand). VCF-style: chr15-89333186-G-A. GRCh37 (hg19) VCF-style: chr15-89876417-G-A.
Other names: c.569C>T, p.Pro190Leu (NM_001126131.2); short protein forms P190L.
Identifiers: ClinVar variation 1055663 (VCV001055663.6), dbSNP rs1179914559, ClinGen allele CA393770720.

ClinVar aggregate classification (germline): Uncertain significance (1 of 4 stars; one submission).

Conditions:
Progressive sclerosing poliodystrophy (MTDPS4A). Also called: NEURONAL DEGENERATION OF CHILDHOOD WITH LIVER DISEASE, PROGRESSIVE; Alpers-Huttenlocher Syndrome (AHS); ALPERS PROGRESSIVE INFANTILE POLIODYSTROPHY; Mitochondrial DNA Depletion Syndrome 4A; Alpers Syndrome; ALPERS DIFFUSE DEGENERATION OF CEREBRAL GRAY MATTER WITH HEPATIC CIRRHOSIS. Identifiers: Orphanet 726, MedGen C0205710, MONDO:0008758, OMIM 203700.

Allele frequency attached by ClinVar (database versions not stated): gnomAD exomes below 0.00001.
gnomAD v4.1: 3 of 1,569,844 alleles (0.00019%); highest among the groups gnomAD compares: Non-Finnish European, 0.000087%; no homozygotes.

Submission:

Labcorp Genetics (formerly Invitae), Labcorp
Classification: Uncertain significance for Progressive sclerosing poliodystrophy. Last evaluated: 2021-08-27. Review status: criteria provided, single submitter. Criteria: Invitae Variant Classification Sherloc (09022015). Collection method: clinical testing. Allele origin: germline.
Comment: This sequence change replaces proline with leucine at codon 190 of the POLG protein (p.Pro190Leu). The proline residue is highly conserved and there is a moderate physicochemical difference between proline and leucine. This variant is not present in population databases (ExAC no frequency). This variant has not been reported in the literature in individuals affected with POLG-related conditions. Algorithms developed to predict the effect of missense changes on protein structure and function are either unavailable or do not agree on the potential impact of this missense change (SIFT: "Deleterious"; PolyPhen-2: "Probably Damaging"; Align-GVGD: "Class C0"). In summary, the available evidence is currently insufficient to determine the role of this variant in disease. Therefore, it has been classified as a Variant of Uncertain Significance.